The following is an entry in ClinVar:

NM_138694.4(PKHD1):c.7977G>A (p.Pro2659=)

Gene: PKHD1 (PKHD1 ciliary IPT domain containing fibrocystin/polyductin; minus strand). Cytogenetic location: 6p12.2.
Variant type: single nucleotide variant.
Coding change: c.7977G>A on transcript NM_138694.4 (MANE Select); coding-DNA position 7977, G replaced by A.
Protein change: p.Pro2659=; no amino-acid change (proline 2659 retained).
Molecular consequence: synonymous variant.
Genome position (GRCh38, 1-based): chr6:51,847,905, C>T on the plus strand (G>A on the coding strand, the complement: PKHD1 is on the minus strand). VCF-style: chr6-51847905-C-T. GRCh37 (hg19) VCF-style: chr6-51712703-C-T.
Other names: c.7977G>A, p.Pro2659= (NM_170724.3).
Identifiers: ClinVar variation 281377 (VCV000281377.25), dbSNP rs748084543, ClinGen allele CA3851776.

ClinVar aggregate classification (germline): Benign/Likely benign. Review status: criteria provided, multiple submitters, no conflicts (2 of 4 stars). 5 submissions from 5 submitters: Benign (1); Likely benign (2). 2 of the submissions do not count toward it. Last evaluated 2026-02-01.

Conditions:
PKHD1-related disorder. Also called: PKHD1-related condition.
Autosomal recessive polycystic kidney disease (ARPKD). Also called: AR polycystic kidney disease. Identifiers: Orphanet 731, Orphanet 8378, MedGen C0085548, MeSH D017044, MONDO:0009889.

Allele frequency attached by ClinVar (database versions not stated): gnomAD 0.00006; gnomAD exomes 0.00013 and 0.00051; TOPMed 0.00024; ExAC 0.00045.
gnomAD v4.1: 187 of 1,613,798 alleles (0.012%); highest among the groups gnomAD compares: Admixed American, 0.24%; 1 homozygote.

Submissions (5):

CeGaT Center for Human Genetics Tuebingen
Classification: Likely benign. Last evaluated: 2026-02-01. Review status: criteria provided, single submitter. Criteria: CeGaT Center For Human Genetics Tuebingen Variant Classification Criteria Version 2. Collection method: clinical testing. Allele origin: germline. Affected: yes. Observed: 1 variant allele.
Comment: PKHD1: BP4, BP7

Labcorp Genetics (formerly Invitae), Labcorp
Classification: Benign for Autosomal recessive polycystic kidney disease. Last evaluated: 2026-02-01. Review status: criteria provided, single submitter. Criteria: Invitae Variant Classification Sherloc (09022015). Collection method: clinical testing. Allele origin: germline.

Eurofins Ntd Llc (ga)
Classification: Likely benign. Last evaluated: 2015-06-23. Review status: criteria provided, single submitter. Criteria: EGL Classification Definitions 2015. Collection method: clinical testing. Allele origin: germline. Observed: 1 variant allele, 1 heterozygote.

PreventionGenetics, part of Exact Sciences
Classification: Likely benign for PKHD1-related condition. Last evaluated: 2021-03-19. Review status: no assertion criteria provided. Collection method: clinical testing. Allele origin: germline. Not counted in ClinVar's aggregate classification.
Comment: This variant is classified as likely benign based on ACMG/AMP sequence variant interpretation guidelines (Richards et al. 2015 PMID: 25741868, with internal and published modifications).

Natera, Inc.
Classification: Likely benign for Autosomal recessive polycystic kidney disease. Last evaluated: 2017-11-14. Review status: no assertion criteria provided. Collection method: clinical testing. Allele origin: germline. Not counted in ClinVar's aggregate classification.